The following is an entry in ClinVar:

ClinVar aggregate classification (germline): Uncertain significance (1 of 4 stars; one submission).

Conditions:
Multiple endocrine neoplasia, type 1 (MEN1). Also called: MEN I; WERMER SYNDROME; Endocrine adenomatosis multiple; MEN 1; MEA I. Identifiers: Orphanet 652, MedGen C0025267, MeSH D018761, MONDO:0007540, OMIM 131100.

Submission:

Labcorp Genetics (formerly Invitae), Labcorp
Classification: Uncertain significance for Multiple endocrine neoplasia, type 1. Last evaluated: 2023-07-31. Review status: criteria provided, single submitter. Criteria: Invitae Variant Classification Sherloc (09022015). Collection method: clinical testing. Allele origin: germline.
Comment: This sequence change replaces alanine, which is neutral and non-polar, with valine, which is neutral and non-polar, at codon 307 of the MEN1 protein (p.Ala307Val). In summary, the available evidence is currently insufficient to determine the role of this variant in disease. Therefore, it has been classified as a Variant of Uncertain Significance. Advanced modeling of protein sequence and biophysical properties (such as structural, functional, and spatial information, amino acid conservation, physicochemical variation, residue mobility, and thermodynamic stability) performed at Invitae indicates that this missense variant is not expected to disrupt MEN1 protein function. This variant has not been reported in the literature in individuals affected with MEN1-related conditions. This variant is not present in population databases (gnomAD no frequency).

NM_001370259.2(MEN1):c.920C>T (p.Ala307Val)

Gene: MEN1 (menin 1; minus strand). Cytogenetic location: 11q13.1.
Variant type: single nucleotide variant.
Coding change: c.920C>T on transcript NM_001370259.2 (MANE Select); coding-DNA position 920, C replaced by T.
Protein change: p.Ala307Val; replaces alanine 307 with valine.
Molecular consequence: missense variant. On other transcripts: non-coding transcript variant (4).
Genome position (GRCh38, 1-based): chr11:64,806,361, G>A on the plus strand (C>T on the coding strand, the complement: MEN1 is on the minus strand). VCF-style: chr11-64806361-G-A. GRCh37 (hg19) VCF-style: chr11-64573833-G-A.
Other names: c.920C>T, p.Ala307Val (NM_001407147.1, NM_001407152.1, NM_130799.3 and 7 more transcripts); c.815C>T, p.Ala272Val (NM_001407148.1, NM_001407149.1, NM_001407151.1 and 2 more transcripts); c.935C>T, p.Ala312Val (NM_001407150.1, NM_130800.3, NM_130801.3 and 5 more transcripts); short protein forms A272V, A307V, A312V.
Identifiers: ClinVar variation 2993613 (VCV002993613.3), dbSNP rs1278139327, ClinGen allele CA381183445.
Genomic context (GRCh38, chr11:64,806,361, plus strand): 5'-TAGCCAGCCAGGTACATGTAGGGGTAGATGTGTTCATCCCGATAGTAGGTCTTGGCTGAG[G>A]CAATGCCCTGGATGGAGGTGAGGCAGAGGATCCTCAGGGAGGCAGCCCCAGCTGCCCTGC-3'
Protein context (NP_001357188.2, residues 297-317): DPLTLYHKGI[Ala307Val]SAKTYYRDEH